The following is an entry in ClinVar:

NM_000274.4(OAT):c.123T>C (p.Asp41=)

Gene: OAT (ornithine aminotransferase; minus strand). Cytogenetic location: 10q26.13.
Variant type: single nucleotide variant.
Coding change: c.123T>C on transcript NM_000274.4 (MANE Select); coding-DNA position 123, T replaced by C.
Protein change: p.Asp41=; no amino-acid change (aspartic acid 41 retained).
Molecular consequence: synonymous variant. On other transcripts: intron variant (2).
Genome position (GRCh38, 1-based): chr10:124,412,049, A>G on the plus strand (T>C on the coding strand, the complement: OAT is on the minus strand). VCF-style: chr10-124412049-A-G. GRCh37 (hg19) VCF-style: chr10-126100618-A-G.
Other names: c.123T>C, p.Asp41= (NM_001322965.2, NM_001322966.2, NM_001322967.2 and 4 more transcripts); c.-215-3084T>C (NM_001171814.2); c.-515-3084T>C (NM_001322974.2).
Identifiers: ClinVar variation 299173 (VCV000299173.17), dbSNP rs376051303, ClinGen allele CA10635186.
Genomic context (GRCh38, chr10:124,412,049, plus strand): 5'-GGCTACAGGTAAAGGATGGTAGTTGTGTGCACCATACTTATATTCCCTTTCAAAAATGTC[A>G]TCAGAGGTTGGAGGGCCTTGGACTGTTTTTTTAGTTGCAACAGATGTAGCAGAAGCCACT-3'
Protein context (NP_000265.1, residues 31-51): KKTVQGPPTS[Asp41=]DIFEREYKYG

ClinVar aggregate classification (germline): Conflicting classifications of pathogenicity. Review status: criteria provided, conflicting classifications (1 of 4 stars). 4 submissions from 4 submitters: Uncertain significance (1); Likely benign (2). 1 of the submissions does not count toward it. Last evaluated 2025-04-11.

Conditions:
Ornithine aminotransferase deficiency (GACR). Also called: HYPERORNITHINEMIA WITH GYRATE ATROPHY OF CHOROID AND RETINA; Ornithine ketoacid aminotransferase deficiency; Gyrate atrophy; Gyrate atrophy of choroid and retina; Girate atrophy of the retina; OAT DEFICIENCY. Identifiers: Orphanet 414, MedGen C0018425, MONDO:0009796, OMIM 258870.
OAT-related disorder. Also called: OAT-related condition.

Allele frequency attached by ClinVar (database versions not stated): TOPMed 0.00001.
gnomAD v4.1: 36 of 1,614,086 alleles (0.0022%); highest among the groups gnomAD compares: Non-Finnish European, 0.0031%; no homozygotes.

Submissions (4):

Labcorp Genetics (formerly Invitae), Labcorp
Classification: Likely benign for Ornithine aminotransferase deficiency. Last evaluated: 2025-04-11. Review status: criteria provided, single submitter. Criteria: Invitae Variant Classification Sherloc (09022015). Collection method: clinical testing. Allele origin: germline.

Blueprint Genetics
Classification: Likely benign. Last evaluated: 2020-08-12. Review status: criteria provided, single submitter. Criteria: ACMG Guidelines, 2015. Collection method: clinical testing. Allele origin: germline.

Illumina Laboratory Services, Illumina
Classification: Uncertain significance for Ornithine aminotransferase deficiency. Last evaluated: 2018-01-12. Review status: criteria provided, single submitter. Criteria: ICSL Variant Classification Criteria 13 December 2019. Collection method: clinical testing. Allele origin: germline.

PreventionGenetics, part of Exact Sciences
Classification: Likely benign for OAT-related condition. Last evaluated: 2019-09-11. Review status: no assertion criteria provided. Collection method: clinical testing. Allele origin: germline. Not counted in ClinVar's aggregate classification.
Comment: This variant is classified as likely benign based on ACMG/AMP sequence variant interpretation guidelines (Richards et al. 2015 PMID: 25741868, with internal and published modifications).